The following is an entry in ClinVar:

NM_005450.6(NOG):c.601A>G (p.Thr201Ala)

Gene: NOG (noggin; plus strand). Cytogenetic location: 17q22.
Variant type: single nucleotide variant.
Coding change: c.601A>G on transcript NM_005450.6 (MANE Select); coding-DNA position 601, A replaced by G.
Protein change: p.Thr201Ala; replaces threonine 201 with alanine.
Molecular consequence: missense variant.
Genome position (GRCh38, 1-based): chr17:56,594,824, A>G. VCF-style: chr17-56594824-A-G. GRCh37 (hg19) VCF-style: chr17-54672185-A-G.
Other names: short protein forms T201A.
Identifiers: ClinVar variation 2859647 (VCV002859647.3), dbSNP rs2545137902, ClinGen allele CA399966691.

ClinVar aggregate classification (germline): Uncertain significance (1 of 4 stars; one submission).

Submission:

Labcorp Genetics (formerly Invitae), Labcorp
Classification: Uncertain significance. Last evaluated: 2023-04-26. Review status: criteria provided, single submitter. Criteria: Invitae Variant Classification Sherloc (09022015). Collection method: clinical testing. Allele origin: germline.
Comment: This sequence change replaces threonine, which is neutral and polar, with alanine, which is neutral and non-polar, at codon 201 of the NOG protein (p.Thr201Ala). In summary, the available evidence is currently insufficient to determine the role of this variant in disease. Therefore, it has been classified as a Variant of Uncertain Significance. An algorithm developed to predict the effect of missense changes on protein structure and function (PolyPhen-2) suggests that this variant is likely to be disruptive. This variant has not been reported in the literature in individuals affected with NOG-related conditions. This variant is not present in population databases (gnomAD no frequency).